The following is an entry in ClinVar:

ClinVar aggregate classification (germline): Uncertain significance (1 of 4 stars; one submission).

Submission:

Ambry Genetics
Classification: Uncertain significance. Last evaluated: 2025-04-28. Review status: criteria provided, single submitter. Criteria: Ambry Variant Classification Scheme 2023. Collection method: clinical testing. Allele origin: germline.
Comment: The p.I245T variant (also known as c.734T>C), located in coding exon 4 of the GALNT12 gene, results from a T to C substitution at nucleotide position 734. The isoleucine at codon 245 is replaced by threonine, an amino acid with similar properties. This amino acid position is conserved. In addition, this alteration is predicted to be deleterious by in silico analysis. Since supporting evidence is limited at this time, the clinical significance of this alteration remains unclear.

NM_024642.5(GALNT12):c.734T>C (p.Ile245Thr)

Gene: GALNT12 (polypeptide N-acetylgalactosaminyltransferase 12; plus strand). Cytogenetic location: 9q22.33.
Variant type: single nucleotide variant.
Coding change: c.734T>C on transcript NM_024642.5 (MANE Select); coding-DNA position 734, T replaced by C.
Protein change: p.Ile245Thr; replaces isoleucine 245 with threonine.
Molecular consequence: missense variant.
Genome position (GRCh38, 1-based): chr9:98,831,774, T>C. VCF-style: chr9-98831774-T-C. GRCh37 (hg19) VCF-style: chr9-101594056-T-C.
Other names: short protein forms I245T.
Identifiers: ClinVar variation 2566261 (VCV002566261.3), dbSNP rs2490516980, ClinGen allele CA374217889.